The following is an entry in ClinVar:

ClinVar aggregate classification (germline): Uncertain significance (1 of 4 stars; one submission).

Conditions:
Autoimmune lymphoproliferative syndrome type 2A (ALPS2A). Also called: CASP10-Related Autoimmune Lymphoproliferative Syndrome; AUTOIMMUNE LYMPHOPROLIFERATIVE SYNDROME, TYPE IIA; Autoimmune lymphoproliferative syndrome type 2. Identifiers: Orphanet 3261, MedGen C1858968, MONDO:0011383, OMIM 603909.

Submission:

Labcorp Genetics (formerly Invitae), Labcorp
Classification: Uncertain significance for Autoimmune lymphoproliferative syndrome type 2A. Last evaluated: 2023-10-29. Review status: criteria provided, single submitter. Criteria: Invitae Variant Classification Sherloc (09022015). Collection method: clinical testing. Allele origin: germline.
Comment: This sequence change replaces leucine, which is neutral and non-polar, with valine, which is neutral and non-polar, at codon 150 of the CASP10 protein (p.Leu150Val). This variant is not present in population databases (gnomAD no frequency). This variant has not been reported in the literature in individuals affected with CASP10-related conditions. Advanced modeling of protein sequence and biophysical properties (such as structural, functional, and spatial information, amino acid conservation, physicochemical variation, residue mobility, and thermodynamic stability) performed at Invitae indicates that this missense variant is not expected to disrupt CASP10 protein function with a negative predictive value of 80%. In summary, the available evidence is currently insufficient to determine the role of this variant in disease. Therefore, it has been classified as a Variant of Uncertain Significance.

NM_032977.4(CASP10):c.448C>G (p.Leu150Val)

Gene: CASP10 (caspase 10; plus strand). Cytogenetic location: 2q33.1.
Variant type: single nucleotide variant.
Coding change: c.448C>G on transcript NM_032977.4 (MANE Select); coding-DNA position 448, C replaced by G.
Protein change: p.Leu150Val; replaces leucine 150 with valine.
Molecular consequence: missense variant.
Genome position (GRCh38, 1-based): chr2:201,192,990, C>G. VCF-style: chr2-201192990-C-G. GRCh37 (hg19) VCF-style: chr2-202057713-C-G.
Other names: c.448C>G, p.Leu150Val (NM_001206524.2, NM_001206542.2, NM_001230.5 and 3 more transcripts); short protein forms L150V.
Identifiers: ClinVar variation 2938607 (VCV002938607.3), dbSNP rs2469385130, ClinGen allele CA350278600.